The following is an entry in ClinVar:

NM_016938.5(EFEMP2):c.964G>T (p.Val322Phe)

Gene: EFEMP2 (EGF-like fibulin extracellular matrix protein 2; minus strand). Cytogenetic location: 11q13.1.
Variant type: single nucleotide variant.
Coding change: c.964G>T on transcript NM_016938.5 (MANE Select); coding-DNA position 964, G replaced by T.
Protein change: p.Val322Phe; replaces valine 322 with phenylalanine.
Molecular consequence: missense variant. On other transcripts: non-coding transcript variant (1).
Genome position (GRCh38, 1-based): chr11:65,868,305, C>A on the plus strand (G>T on the coding strand, the complement: EFEMP2 is on the minus strand). VCF-style: chr11-65868305-C-A. GRCh37 (hg19) VCF-style: chr11-65635776-C-A.
Other names: short protein forms V322F.
Identifiers: ClinVar variation 1381687 (VCV001381687.8), dbSNP rs759573856, ClinGen allele CA381352813.

ClinVar aggregate classification (germline): Uncertain significance. Review status: criteria provided, multiple submitters, no conflicts (2 of 4 stars). 2 submissions from 2 submitters: Uncertain significance (2). Last evaluated 2021-09-17.

Conditions:
Cardiovascular phenotype. Identifiers: MedGen CN230736.
Cutis laxa, autosomal recessive, type 1B (ARCL1B). Also called: EFEMP2-Related Cutis Laxa; CUTIS LAXA, AUTOSOMAL RECESSIVE, TYPE IB. Identifiers: Orphanet 90349, MedGen C3280798, MONDO:0013754, OMIM 614437. Disease mechanism: loss of function.

gnomAD v4.1: 1 of 1,613,730 alleles (0.000062%); highest among the groups gnomAD compares: Non-Finnish European, 0.000085%; no homozygotes.

Submissions (2):

Labcorp Genetics (formerly Invitae), Labcorp
Classification: Uncertain significance for Cutis laxa, autosomal recessive, type 1B. Last evaluated: 2021-09-17. Review status: criteria provided, single submitter. Criteria: Invitae Variant Classification Sherloc (09022015). Collection method: clinical testing. Allele origin: germline.
Comment: In summary, the available evidence is currently insufficient to determine the role of this variant in disease. Therefore, it has been classified as a Variant of Uncertain Significance. Algorithms developed to predict the effect of missense changes on protein structure and function (SIFT, PolyPhen-2, Align-GVGD) all suggest that this variant is likely to be disruptive. This variant has not been reported in the literature in individuals affected with EFEMP2-related conditions. This variant is not present in population databases (ExAC no frequency). This sequence change replaces valine with phenylalanine at codon 322 of the EFEMP2 protein (p.Val322Phe). The valine residue is highly conserved and there is a small physicochemical difference between valine and phenylalanine.

Ambry Genetics
Classification: Uncertain significance for Cardiovascular phenotype. Last evaluated: 2020-05-06. Review status: criteria provided, single submitter. Criteria: Ambry Variant Classification Scheme 2023. Collection method: clinical testing. Allele origin: germline.
Comment: The p.V322F variant (also known as c.964G>T), located in coding exon 8 of the EFEMP2 gene, results from a G to T substitution at nucleotide position 964. The valine at codon 322 is replaced by phenylalanine, an amino acid with highly similar properties. This amino acid position is well conserved in available vertebrate species. In addition, this alteration is predicted to be deleterious by in silico analysis. Since supporting evidence is limited at this time, the clinical significance of this alteration remains unclear.